The following is an entry in ClinVar:

NM_002485.5(NBN):c.783T>G (p.Asn261Lys)

Gene: NBN (nibrin; minus strand). Cytogenetic location: 8q21.3.
Variant type: single nucleotide variant.
Coding change: c.783T>G on transcript NM_002485.5 (MANE Select); coding-DNA position 783, T replaced by G.
Protein change: p.Asn261Lys; replaces asparagine 261 with lysine.
Molecular consequence: missense variant.
Genome position (GRCh38, 1-based): chr8:89,970,477, A>C on the plus strand (T>G on the coding strand, the complement: NBN is on the minus strand). VCF-style: chr8-89970477-A-C. GRCh37 (hg19) VCF-style: chr8-90982705-A-C.
Other names: c.537T>G, p.Asn179Lys (NM_001024688.3); short protein forms N261K, N179K.
Identifiers: ClinVar variation 234702 (VCV000234702.20), dbSNP rs375336614, ClinGen allele CA4802886.

ClinVar aggregate classification (germline): Uncertain significance. Review status: criteria provided, multiple submitters, no conflicts (2 of 4 stars). 5 submissions from 5 submitters: Uncertain significance (4). 1 of the submissions does not count toward it. Last evaluated 2025-11-30.

Conditions:
Hereditary cancer-predisposing syndrome. Also called: Tumor predisposition; Hereditary Cancer Syndrome; Hereditary neoplastic syndrome; Neoplastic Syndromes, Hereditary. Identifiers: Orphanet 140162, MedGen C0027672, MeSH D009386, MONDO:0015356.
Microcephaly, normal intelligence and immunodeficiency (NBS). Also called: IMMUNODEFICIENCY, MICROCEPHALY, AND CHROMOSOMAL INSTABILITY; SEEMANOVA SYNDROME II; Nijmegen breakage syndrome; Microcephaly with normal intelligence immunodeficiency and lymphoreticular malignancies; Nonsyndromal microcephaly autosomal recessive with normal intelligence; Seemanova syndrome 2. Identifiers: Orphanet 647, MedGen C0398791, MONDO:0009623, OMIM 251260.

Allele frequency attached by ClinVar (database versions not stated): gnomAD exomes below 0.00001 and 0.00001; ExAC 0.00001; gnomAD 0.00001; TOPMed 0.00001; ESP Exome Variant Server 0.00008.
gnomAD v4.1: 12 of 1,613,798 alleles (0.00074%); highest among the groups gnomAD compares: Admixed American, 0.0017%; no homozygotes.

Submissions (5):

Ambry Genetics
Classification: Uncertain significance for Hereditary cancer-predisposing syndrome. Last evaluated: 2025-11-30. Review status: criteria provided, single submitter. Criteria: Ambry Variant Classification Scheme 2023. Collection method: clinical testing. Allele origin: germline.
Comment: The p.N261K variant (also known as c.783T>G), located in coding exon 7 of the NBN gene, results from a T to G substitution at nucleotide position 783. The asparagine at codon 261 is replaced by lysine, an amino acid with similar properties. This amino acid position is poorly conserved in available vertebrate species. In addition, this alteration is predicted to be tolerated by in silico analysis. Since supporting evidence is limited at this time, the clinical significance of this alteration remains unclear.

Labcorp Genetics (formerly Invitae), Labcorp
Classification: Uncertain significance for Microcephaly, normal intelligence and immunodeficiency. Last evaluated: 2024-05-01. Review status: criteria provided, single submitter. Criteria: Invitae Variant Classification Sherloc (09022015). Collection method: clinical testing. Allele origin: germline.
Comment: This sequence change replaces asparagine, which is neutral and polar, with lysine, which is basic and polar, at codon 261 of the NBN protein (p.Asn261Lys). This variant is present in population databases (rs375336614, gnomAD 0.002%). This variant has not been reported in the literature in individuals affected with NBN-related conditions. ClinVar contains an entry for this variant (Variation ID: 234702). An algorithm developed to predict the effect of missense changes on protein structure and function (PolyPhen-2) suggests that this variant¬†is likely to be tolerated. In summary, the available evidence is currently insufficient to determine the role of this variant in disease. Therefore, it has been classified as a Variant of Uncertain Significance.

Genome-Nilou Lab
Classification: Uncertain significance for Microcephaly, normal intelligence and immunodeficiency. Last evaluated: 2021-11-07. Review status: criteria provided, single submitter. Criteria: ACMG Guidelines, 2015. Collection method: clinical testing. Allele origin: germline. Affected: no.

GeneDx
Classification: Uncertain significance. Last evaluated: 2015-12-18. Review status: criteria provided, single submitter. Criteria: GeneDx Variant Classification (06012015). Collection method: clinical testing. Allele origin: germline. Affected: yes.
Comment: This variant is denoted NBN c.783T>G at the cDNA level, p.Asn261Lys (N261K) at the protein level, and results in the change of an Asparagine to a Lysine (AAT>AAG). This variant has not, to our knowledge, been published in the literature as pathogenic or benign. NBN Asn261Lys was not observed at a significant allele frequency in the NHLBI Exome Sequencing Project. Since Asparagine and Lysine differ in some properties, this is considered a semi-conservative amino acid substitution. NBN Asn261Lys occurs at a position that is not conserved and is located in the region of interaction with MTOR, MAPKAP1 and RICTOR, and mediates interaction with SP100 (UniProt). In silico analyses are inconsistent regarding the effect this variant may have on protein structure and function. Based on currently available evidence, it is unclear whether NBN Asn261Lys is a pathogenic or benign variant. We consider it to be a variant of uncertain significance.

Natera, Inc.
Classification: Uncertain significance for Nijmegen breakage syndrome. Last evaluated: 2020-09-16. Review status: no assertion criteria provided. Collection method: clinical testing. Allele origin: germline. Not counted in ClinVar's aggregate classification.